The following is an entry in ClinVar:

ClinVar aggregate classification (germline): Uncertain significance (1 of 4 stars; one submission).

Submission:

Labcorp Genetics (formerly Invitae), Labcorp
Classification: Uncertain significance. Last evaluated: 2022-02-11. Review status: criteria provided, single submitter. Criteria: Invitae Variant Classification Sherloc (09022015). Collection method: clinical testing. Allele origin: germline.
Comment: This sequence change replaces valine, which is neutral and non-polar, with glycine, which is neutral and non-polar, at codon 532 of the FNIP1 protein (p.Val532Gly). This variant is not present in population databases (gnomAD no frequency). This variant has not been reported in the literature in individuals affected with FNIP1-related conditions. Algorithms developed to predict the effect of missense changes on protein structure and function (SIFT, PolyPhen-2, Align-GVGD) all suggest that this variant is likely to be disruptive. In summary, the available evidence is currently insufficient to determine the role of this variant in disease. Therefore, it has been classified as a Variant of Uncertain Significance.

NM_133372.3(FNIP1):c.1595T>G (p.Val532Gly)

Gene: FNIP1 (folliculin interacting protein 1; minus strand). Cytogenetic location: 5q31.1.
Variant type: single nucleotide variant.
Coding change: c.1595T>G on transcript NM_133372.3 (MANE Select); coding-DNA position 1595, T replaced by G.
Protein change: p.Val532Gly; replaces valine 532 with glycine.
Molecular consequence: missense variant.
Genome position (GRCh38, 1-based): chr5:131,672,849, A>C on the plus strand (T>G on the coding strand, the complement: FNIP1 is on the minus strand). VCF-style: chr5-131672849-A-C. GRCh37 (hg19) VCF-style: chr5-131008542-A-C.
Other names: c.1511T>G, p.Val504Gly (NM_001008738.3); c.1460T>G, p.Val487Gly (NM_001346114.2); short protein forms V487G, V504G, V532G.
Identifiers: ClinVar variation 2096691 (VCV002096691.4), dbSNP rs2532128592, ClinGen allele CA360794010.